The following is an entry in ClinVar:

ClinVar aggregate classification (germline): Likely pathogenic (1 of 4 stars; one submission).

Conditions:
Retinitis pigmentosa 25 (RP25). Identifiers: Orphanet 791, MedGen C1864446, MONDO:0011272, OMIM 602772.

Submission:

Natera, Inc.
Classification: Likely pathogenic for Retinitis pigmentosa type 25. Last evaluated: 2025-06-25. Review status: criteria provided, single submitter. Criteria: Natera Variant Classification Schema (03/2026). Collection method: clinical testing. Allele origin: germline.
Comment: The c.966dup variant in EYS is a frameshift variant predicted to shift the reading frame beginning at codon 323 and leads to a stop codon 8 codons downstream. This variant is expected to result in nonsense mediated decay, truncation, or a dysfunctional protein product. This variant is rare in the general population with a frequency below the threshold expected for the associated phenotype(s). Given the available evidence, this variant is classified as Likely Pathogenic.

NM_001142800.2(EYS):c.966dup (p.Gly323fs)

Gene: EYS (EGF-like photoreceptor maintenance factor; minus strand). Cytogenetic location: 6q12.
Variant type: Duplication.
Coding change: c.966dup on transcript NM_001142800.2 (MANE Select); coding-DNA position 966, one base duplicated (A; older notation c.966dupA).
Protein change: p.Gly323fs; shifts the reading frame from glycine 323.
Molecular consequence: frameshift variant.
Genome position (GRCh38, 1-based): chr6:65,405,264, T duplicated on the plus strand (A on the coding strand, the reverse complement: EYS is on the minus strand); the first of 4 consecutive T bases (chr6:65,405,264-65,405,267); duplicating any one gives the same sequence. VCF-style (leftmost placement, unchanged base first): chr6-65405263-C-CT. GRCh37 (hg19) VCF-style: chr6-66115156-C-CT.
Other names: c.966dup, p.Gly323fs (NM_001142801.2, NM_001292009.2, NM_198283.2); short protein forms G323fs.
Identifiers: ClinVar variation 4814670 (VCV004814670.1).
Genomic context (GRCh38, chr6:65,405,263, plus strand): 5'-TCTGACATGGTACTAATGAAAACTCACTGACATCAGTTTCACCATTTTGGCTGGAAGATC[C>CT]TTTTGGGCATTCATAAGTATAAGCAGAACTGCTATTTGGGCAAATTCCTCTTTTCCAAAA-3'